The following is an entry in ClinVar:

NM_177438.3(DICER1):c.4781T>G (p.Ile1594Ser)

Gene: DICER1 (dicer 1, ribonuclease III; minus strand). Cytogenetic location: 14q32.13.
Variant type: single nucleotide variant.
Coding change: c.4781T>G on transcript NM_177438.3 (MANE Select); coding-DNA position 4781, T replaced by G.
Protein change: p.Ile1594Ser; replaces isoleucine 1594 with serine.
Molecular consequence: missense variant.
Genome position (GRCh38, 1-based): chr14:95,096,139, A>C on the plus strand (T>G on the coding strand, the complement: DICER1 is on the minus strand). VCF-style: chr14-95096139-A-C. GRCh37 (hg19) VCF-style: chr14-95562476-A-C.
Other names: c.4781T>G, p.Ile1594Ser (NM_001195573.1, NM_001271282.3, NM_001291628.2 and 1 more transcripts); short protein forms I1594S.
Identifiers: ClinVar variation 660408 (VCV000660408.12), dbSNP rs1595339539, ClinGen allele CA390867193.

ClinVar aggregate classification (germline): Uncertain significance. Review status: criteria provided, multiple submitters, no conflicts (2 of 4 stars). 2 submissions from 2 submitters: Uncertain significance (2). Last evaluated 2025-07-16.

Conditions:
Hereditary cancer-predisposing syndrome. Also called: Neoplastic Syndromes, Hereditary; Hereditary neoplastic syndrome; Tumor predisposition; Hereditary Cancer Syndrome. Identifiers: Orphanet 140162, MedGen C0027672, MeSH D009386, MONDO:0015356.
DICER1-related tumor predisposition. Also called: DICER1 syndrome; DICER1-related pleuropulmonary blastoma cancer predisposition syndrome. Identifiers: Orphanet 284343, MedGen C3839822, MONDO:0100216.

Allele frequency attached by ClinVar (database versions not stated): TOPMed below 0.00001; gnomAD 0.00001.
gnomAD v4.1: 1 of 1,614,080 alleles (0.000062%); highest among the groups gnomAD compares: Non-Finnish European, 0.000085%; no homozygotes.

Submissions (2):

Labcorp Genetics (formerly Invitae), Labcorp
Classification: Uncertain significance for DICER1-related tumor predisposition. Last evaluated: 2025-07-16. Review status: criteria provided, single submitter. Criteria: Invitae Variant Classification Sherloc (09022015). Collection method: clinical testing. Allele origin: germline.
Comment: This sequence change replaces isoleucine, which is neutral and non-polar, with serine, which is neutral and polar, at codon 1594 of the DICER1 protein (p.Ile1594Ser). This variant is not present in population databases (gnomAD no frequency). This variant has not been reported in the literature in individuals affected with DICER1-related conditions. ClinVar contains an entry for this variant (Variation ID: 660408). Invitae Evidence Modeling of protein sequence and biophysical properties (such as structural, functional, and spatial information, amino acid conservation, physicochemical variation, residue mobility, and thermodynamic stability) indicates that this missense variant is not expected to disrupt DICER1 protein function with a negative predictive value of 95%. Algorithms developed to predict the effect of sequence changes on RNA splicing suggest that this variant may create or strengthen a splice site. In summary, the available evidence is currently insufficient to determine the role of this variant in disease. Therefore, it has been classified as a Variant of Uncertain Significance.

Ambry Genetics
Classification: Uncertain significance for Hereditary cancer-predisposing syndrome. Last evaluated: 2024-01-18. Review status: criteria provided, single submitter. Criteria: Ambry Variant Classification Scheme 2023. Collection method: clinical testing. Allele origin: germline.
Comment: The p.I1594S variant (also known as c.4781T>G), located in coding exon 22 of the DICER1 gene, results from a T to G substitution at nucleotide position 4781. The isoleucine at codon 1594 is replaced by serine, an amino acid with dissimilar properties. This amino acid position is well conserved in available vertebrate species. In addition, this alteration is predicted to be tolerated by in silico analysis. Since supporting evidence is limited at this time, the clinical significance of this alteration remains unclear.